The following is an entry in ClinVar:

NM_024529.5(CDC73):c.203A>C (p.His68Pro)

Gene: CDC73 (cell division cycle 73; plus strand). Cytogenetic location: 1q31.2.
Variant type: single nucleotide variant.
Coding change: c.203A>C on transcript NM_024529.5 (MANE Select); coding-DNA position 203, A replaced by C.
Protein change: p.His68Pro; replaces histidine 68 with proline.
Molecular consequence: missense variant.
Genome position (GRCh38, 1-based): chr1:193,125,183, A>C. VCF-style: chr1-193125183-A-C. GRCh37 (hg19) VCF-style: chr1-193094313-A-C.
Other names: short protein forms H68P.
Identifiers: ClinVar variation 2742825 (VCV002742825.3), dbSNP rs2527289521, ClinGen allele CA343973186.

ClinVar aggregate classification (germline): Uncertain significance (1 of 4 stars; one submission).

Conditions:
Parathyroid carcinoma (PRTC). Also called: CDC73-Related Parathyroid Carcinoma; Parathyroid gland carcinoma. Identifiers: Orphanet 143, MedGen C0687150, MONDO:0012004, OMIM 608266, HP:0006780.

Submission:

Labcorp Genetics (formerly Invitae), Labcorp
Classification: Uncertain significance for Parathyroid carcinoma. Last evaluated: 2023-07-12. Review status: criteria provided, single submitter. Criteria: Invitae Variant Classification Sherloc (09022015). Collection method: clinical testing. Allele origin: germline.
Comment: In summary, the available evidence is currently insufficient to determine the role of this variant in disease. Therefore, it has been classified as a Variant of Uncertain Significance. Advanced modeling of protein sequence and biophysical properties (such as structural, functional, and spatial information, amino acid conservation, physicochemical variation, residue mobility, and thermodynamic stability) performed at Invitae indicates that this missense variant is not expected to disrupt CDC73 protein function. This variant has not been reported in the literature in individuals affected with CDC73-related conditions. This variant is not present in population databases (gnomAD no frequency). This sequence change replaces histidine, which is basic and polar, with proline, which is neutral and non-polar, at codon 68 of the CDC73 protein (p.His68Pro).